The following is an entry in ClinVar:

NM_003384.3(VRK1):c.466C>A (p.Gln156Lys)

Gene: VRK1 (VRK serine/threonine kinase 1; plus strand). Cytogenetic location: 14q32.2.
Variant type: single nucleotide variant.
Coding change: c.466C>A on transcript NM_003384.3 (MANE Select); coding-DNA position 466, C replaced by A.
Protein change: p.Gln156Lys; replaces glutamine 156 with lysine.
Molecular consequence: missense variant.
Genome position (GRCh38, 1-based): chr14:96,852,922, C>A. VCF-style: chr14-96852922-C-A. GRCh37 (hg19) VCF-style: chr14-97319259-C-A.
Other names: short protein forms Q156K.
Identifiers: ClinVar variation 284417 (VCV000284417.10), dbSNP rs201936978, ClinGen allele CA7338979.
Genomic context (GRCh38, chr14:96,852,922, plus strand): 5'-AGTGACCTTCAGAAAATATATGAAGCAAATGCCAAAAGGTTTTCTCGGAAAACTGTCTTG[C>A]AGCTAAGCTTAAGAATTGTATGTGAGCTATGTTCTTCTTGTTTTTAAAAAATTGTTTTGA-3'
Protein context (NP_003375.1, residues 146-166): AKRFSRKTVL[Gln156Lys]LSLRILDILE

ClinVar aggregate classification (germline): Uncertain significance. Review status: criteria provided, multiple submitters, no conflicts (2 of 4 stars). 3 submissions from 3 submitters: Uncertain significance (2). 1 of the submissions does not count toward it. Last evaluated 2024-12-16.

Conditions:
Pontocerebellar hypoplasia type 1A (PCH1A). Also called: PONTOCEREBELLAR HYPOPLASIA WITH ANTERIOR HORN CELL DISEASE; PONTOCEREBELLAR HYPOPLASIA WITH INFANTILE SPINAL MUSCULAR ATROPHY. Identifiers: Orphanet 2254, Orphanet 88616, MedGen C1843504, MONDO:0011866, OMIM 607596.

Allele frequency attached by ClinVar (database versions not stated): gnomAD 0.00001 and 0.00003; ExAC 0.00002; gnomAD exomes 0.00002 and 0.00004; TOPMed 0.00005; 1000 Genomes Project 0.00020; 1000 Genomes Project 30x 0.00031.
gnomAD v4.1: 40 of 1,613,734 alleles (0.0025%); highest among the groups gnomAD compares: Middle Eastern, 0.033%; 1 homozygote.

Submissions (3):

Labcorp Genetics (formerly Invitae), Labcorp
Classification: Uncertain significance for Pontocerebellar hypoplasia type 1A. Last evaluated: 2024-12-16. Review status: criteria provided, single submitter. Criteria: Invitae Variant Classification Sherloc (09022015). Collection method: clinical testing. Allele origin: germline.
Comment: This sequence change replaces glutamine, which is neutral and polar, with lysine, which is basic and polar, at codon 156 of the VRK1 protein (p.Gln156Lys). This variant is present in population databases (rs201936978, gnomAD 0.01%). This variant has not been reported in the literature in individuals affected with VRK1-related conditions. ClinVar contains an entry for this variant (Variation ID: 284417). An algorithm developed to predict the effect of missense changes on protein structure and function outputs the following: PolyPhen-2: "Benign". The lysine amino acid residue is found in multiple mammalian species, which suggests that this missense change does not adversely affect protein function. In summary, the available evidence is currently insufficient to determine the role of this variant in disease. Therefore, it has been classified as a Variant of Uncertain Significance.

Eurofins Ntd Llc (ga)
Classification: Uncertain significance. Last evaluated: 2015-12-03. Review status: criteria provided, single submitter. Criteria: EGL Classification Definitions 2015. Collection method: clinical testing. Allele origin: germline. Observed: 1 variant allele, 1 heterozygote.

Natera, Inc.
Classification: Uncertain significance for Pontocerebellar hypoplasia, type 1a. Last evaluated: 2020-09-08. Review status: no assertion criteria provided. Collection method: clinical testing. Allele origin: germline. Not counted in ClinVar's aggregate classification.